The following is an entry in ClinVar:

ClinVar aggregate classification (germline): Likely pathogenic (1 of 4 stars; one submission).

Conditions:
Autosomal recessive polycystic kidney disease (ARPKD). Also called: AR polycystic kidney disease. Identifiers: Orphanet 731, Orphanet 8378, MedGen C0085548, MeSH D017044, MONDO:0009889.

Submission:

Labcorp Genetics (formerly Invitae), Labcorp
Classification: Likely pathogenic for Autosomal recessive polycystic kidney disease. Last evaluated: 2022-12-22. Review status: criteria provided, single submitter. Criteria: Invitae Variant Classification Sherloc (09022015). Collection method: clinical testing. Allele origin: germline.
Comment: This sequence change replaces tryptophan, which is neutral and slightly polar, with arginine, which is basic and polar, at codon 848 of the PKHD1 protein (p.Trp848Arg). This variant is present in population databases (no rsID available, gnomAD 0.0009%). This missense change has been observed in individuals with polycystic kidney disease (PMID: 19940839, 23582048). Advanced modeling of protein sequence and biophysical properties (such as structural, functional, and spatial information, amino acid conservation, physicochemical variation, residue mobility, and thermodynamic stability) performed at Invitae indicates that this missense variant is expected to disrupt PKHD1 protein function. In summary, the currently available evidence indicates that the variant is pathogenic, but additional data are needed to prove that conclusively. Therefore, this variant has been classified as Likely Pathogenic.

Literature cited by the submitters: PubMed 19940839; PubMed 23582048.

NM_138694.4(PKHD1):c.2542T>A (p.Trp848Arg)

Gene: PKHD1 (PKHD1 ciliary IPT domain containing fibrocystin/polyductin; minus strand). Cytogenetic location: 6p12.2.
Variant type: single nucleotide variant.
Coding change: c.2542T>A on transcript NM_138694.4 (MANE Select); coding-DNA position 2542, T replaced by A.
Protein change: p.Trp848Arg; replaces tryptophan 848 with arginine.
Molecular consequence: missense variant.
Genome position (GRCh38, 1-based): chr6:52,046,054, A>T on the plus strand (T>A on the coding strand, the complement: PKHD1 is on the minus strand). VCF-style: chr6-52046054-A-T. GRCh37 (hg19) VCF-style: chr6-51910852-A-T.
Other names: c.2542T>A, p.Trp848Arg (NM_170724.3); short protein forms W848R.
Identifiers: ClinVar variation 2734904 (VCV002734904.3), dbSNP rs1466595320, ClinGen allele CA364443126.